The following is an entry in ClinVar:

ClinVar aggregate classification (germline): Uncertain significance. Review status: criteria provided, multiple submitters, no conflicts (2 of 4 stars). 2 submissions from 2 submitters: Uncertain significance (2). Last evaluated 2024-05-22.

Allele frequency attached by ClinVar (database versions not stated): gnomAD exomes below 0.00001 and 0.00001; TOPMed 0.00001.

Submissions (2):

Labcorp Genetics (formerly Invitae), Labcorp
Classification: Uncertain significance. Last evaluated: 2024-05-22. Review status: criteria provided, single submitter. Criteria: Invitae Variant Classification Sherloc (09022015). Collection method: clinical testing. Allele origin: germline.
Comment: This sequence change replaces glutamic acid, which is acidic and polar, with lysine, which is basic and polar, at codon 481 of the AGBL5 protein (p.Glu481Lys). The frequency data for this variant in the population databases is considered unreliable, as metrics indicate poor data quality at this position in the gnomAD database. This variant has not been reported in the literature in individuals affected with AGBL5-related conditions. An algorithm developed to predict the effect of missense changes on protein structure and function (PolyPhen-2) suggests that this variant is likely to be disruptive. In summary, the available evidence is currently insufficient to determine the role of this variant in disease. Therefore, it has been classified as a Variant of Uncertain Significance.

Blueprint Genetics
Classification: Uncertain significance. Last evaluated: 2022-10-10. Review status: criteria provided, single submitter. Criteria: ACMG Guidelines, 2015. Collection method: clinical testing. Allele origin: germline.

NM_021831.6(AGBL5):c.1441G>A (p.Glu481Lys)

Gene: AGBL5 (AGBL carboxypeptidase 5; plus strand). Cytogenetic location: 2p23.3.
Variant type: single nucleotide variant.
Coding change: c.1441G>A on transcript NM_021831.6 (MANE Select); coding-DNA position 1441, G replaced by A.
Protein change: p.Glu481Lys; replaces glutamic acid 481 with lysine.
Molecular consequence: missense variant. On other transcripts: non-coding transcript variant (2).
Genome position (GRCh38, 1-based): chr2:27,056,698, G>A. VCF-style: chr2-27056698-G-A. GRCh37 (hg19) VCF-style: chr2-27279566-G-A.
Other names: c.1441G>A, p.Glu481Lys (NM_001035507.3); short protein forms E481K.
Identifiers: ClinVar variation 1355751 (VCV001355751.8), dbSNP rs886678213, ClinGen allele CA44464784.